The following is an entry in ClinVar:

NM_025144.4(ALPK1):c.1349G>A (p.Gly450Glu)

Gene: ALPK1 (alpha kinase 1; plus strand). Cytogenetic location: 4q25.
Variant type: single nucleotide variant.
Coding change: c.1349G>A on transcript NM_025144.4 (MANE Select); coding-DNA position 1349, G replaced by A.
Protein change: p.Gly450Glu; replaces glycine 450 with glutamic acid.
Molecular consequence: missense variant.
Genome position (GRCh38, 1-based): chr4:112,430,896, G>A. VCF-style: chr4-112430896-G-A. GRCh37 (hg19) VCF-style: chr4-113352052-G-A.
Other names: c.1349G>A, p.Gly450Glu (NM_001102406.2); c.1115G>A, p.Gly372Glu (NM_001253884.2); short protein forms G450E, G372E.
Identifiers: ClinVar variation 4709430 (VCV004709430.1).

ClinVar aggregate classification (germline): Uncertain significance (1 of 4 stars; one submission).

gnomAD v4.1: 1 of 1,614,148 alleles (0.000062%); highest among the groups gnomAD compares: Non-Finnish European, 0.000085%; no homozygotes.

Submission:

Labcorp Genetics (formerly Invitae), Labcorp
Classification: Uncertain significance. Last evaluated: 2025-12-23. Review status: criteria provided, single submitter. Criteria: Invitae Variant Classification Sherloc (09022015). Collection method: clinical testing. Allele origin: germline.
Comment: This sequence change replaces glycine, which is neutral and non-polar, with glutamic acid, which is acidic and polar, at codon 450 of the ALPK1 protein (p.Gly450Glu). This variant is not present in population databases (gnomAD no frequency). This variant has not been reported in the literature in individuals affected with ALPK1-related conditions. Invitae Evidence Modeling of protein sequence and biophysical properties (such as structural, functional, and spatial information, amino acid conservation, physicochemical variation, residue mobility, and thermodynamic stability) indicates that this missense variant is not expected to disrupt ALPK1 protein function with a negative predictive value of 80%. In summary, the available evidence is currently insufficient to determine the role of this variant in disease. Therefore, it has been classified as a Variant of Uncertain Significance.